The following is an entry in ClinVar:

NM_000090.4(COL3A1):c.3733A>G (p.Ile1245Val)

Gene: COL3A1 (collagen type III alpha 1 chain; plus strand). Cytogenetic location: 2q32.2.
Variant type: single nucleotide variant.
Coding change: c.3733A>G on transcript NM_000090.4 (MANE Select); coding-DNA position 3733, A replaced by G.
Protein change: p.Ile1245Val; replaces isoleucine 1245 with valine.
Molecular consequence: missense variant.
Genome position (GRCh38, 1-based): chr2:189,009,131, A>G. VCF-style: chr2-189009131-A-G. GRCh37 (hg19) VCF-style: chr2-189873857-A-G.
Other names: short protein forms I1245V.
Identifiers: ClinVar variation 4843316 (VCV004843316.1).

ClinVar aggregate classification (germline): Uncertain significance (1 of 4 stars; one submission).

Conditions:
Familial thoracic aortic aneurysm and aortic dissection (TAAD). Also called: Thoracic aortic aneurysms and dissections. Identifiers: Orphanet 91387, MedGen C4707243, MONDO:0019625.

Submission:

Ambry Genetics
Classification: Uncertain significance for Familial thoracic aortic aneurysm and aortic dissection. Last evaluated: 2026-03-07. Review status: criteria provided, single submitter. Criteria: Ambry Variant Classification Scheme 2023. Collection method: clinical testing. Allele origin: germline.
Comment: The p.I1245V variant (also known as c.3733A>G), located in coding exon 48 of the COL3A1 gene, results from an A to G substitution at nucleotide position 3733. The isoleucine at codon 1245 is replaced by valine, an amino acid with highly similar properties. This amino acid position is conserved. In addition, this alteration is predicted to be tolerated by in silico analysis. Based on the available evidence, the clinical significance of this variant remains unclear.